The following is an entry in ClinVar:

NM_001122630.2(CDKN1C):c.687C>G (p.Asp229Glu)

Gene: CDKN1C (cyclin dependent kinase inhibitor 1C; minus strand). Cytogenetic location: 11p15.4.
Variant type: single nucleotide variant.
Coding change: c.687C>G on transcript NM_001122630.2 (MANE Select); coding-DNA position 687, C replaced by G.
Protein change: p.Asp229Glu; replaces aspartic acid 229 with glutamic acid.
Molecular consequence: missense variant. On other transcripts: intron variant (1).
Genome position (GRCh38, 1-based): chr11:2,884,770, G>C on the plus strand (C>G on the coding strand, the complement: CDKN1C is on the minus strand). VCF-style: chr11-2884770-G-C. GRCh37 (hg19) VCF-style: chr11-2906000-G-C.
Other names: c.720C>G, p.Asp240Glu (NM_000076.2, NM_001362474.2); c.687C>G, p.Asp229Glu (NM_001122631.2); c.255+432C>G (NM_001362475.2); short protein forms D229E, D240E.
Identifiers: ClinVar variation 1404629 (VCV001404629.8), dbSNP rs2133782422, ClinGen allele CA379145711.

ClinVar aggregate classification (germline): Uncertain significance (1 of 4 stars; one submission).

Conditions:
Beckwith-Wiedemann syndrome (BWS). Also called: EMG SYNDROME; Exomphalos macroglossia gigantism syndrome. Identifiers: Orphanet 116, MedGen C0004903, MONDO:0007534, OMIM 130650.

gnomAD v4.1: 1 of 1,507,988 alleles (0.000066%); highest among the groups gnomAD compares: Non-Finnish European, 0.000088%; no homozygotes.

Submission:

Labcorp Genetics (formerly Invitae), Labcorp
Classification: Uncertain significance for Beckwith-Wiedemann syndrome. Last evaluated: 2023-09-10. Review status: criteria provided, single submitter. Criteria: Invitae Variant Classification Sherloc (09022015). Collection method: clinical testing. Allele origin: germline.
Comment: This sequence change replaces aspartic acid, which is acidic and polar, with glutamic acid, which is acidic and polar, at codon 240 of the CDKN1C protein (p.Asp240Glu). This variant is not present in population databases (gnomAD no frequency). This variant has not been reported in the literature in individuals affected with CDKN1C-related conditions. In summary, the available evidence is currently insufficient to determine the role of this variant in disease. Therefore, it has been classified as a Variant of Uncertain Significance. Advanced modeling of protein sequence and biophysical properties (such as structural, functional, and spatial information, amino acid conservation, physicochemical variation, residue mobility, and thermodynamic stability) performed at Invitae indicates that this missense variant is not expected to disrupt CDKN1C protein function. ClinVar contains an entry for this variant (Variation ID: 1404629).